The following is an entry in ClinVar:

ClinVar aggregate classification (germline): Uncertain significance (1 of 4 stars; one submission).

Submission:

Labcorp Genetics (formerly Invitae), Labcorp
Classification: Uncertain significance. Last evaluated: 2024-08-06. Review status: criteria provided, single submitter. Criteria: Invitae Variant Classification Sherloc (09022015). Collection method: clinical testing. Allele origin: germline.
Comment: This sequence change replaces lysine, which is basic and polar, with glutamic acid, which is acidic and polar, at codon 412 of the GRIN2D protein (p.Lys412Glu). This variant is not present in population databases (gnomAD no frequency). This variant has not been reported in the literature in individuals affected with GRIN2D-related conditions. Advanced modeling of protein sequence and biophysical properties (such as structural, functional, and spatial information, amino acid conservation, physicochemical variation, residue mobility, and thermodynamic stability) performed at Invitae indicates that this missense variant is not expected to disrupt GRIN2D protein function with a negative predictive value of 80%. In summary, the available evidence is currently insufficient to determine the role of this variant in disease. Therefore, it has been classified as a Variant of Uncertain Significance.

NM_000836.4(GRIN2D):c.1234A>G (p.Lys412Glu)

Gene: GRIN2D (glutamate ionotropic receptor NMDA type subunit 2D; plus strand). Cytogenetic location: 19q13.33.
Variant type: single nucleotide variant.
Coding change: c.1234A>G on transcript NM_000836.4 (MANE Select); coding-DNA position 1234, A replaced by G.
Protein change: p.Lys412Glu; replaces lysine 412 with glutamic acid.
Molecular consequence: missense variant.
Genome position (GRCh38, 1-based): chr19:48,414,406, A>G. VCF-style: chr19-48414406-A-G. GRCh37 (hg19) VCF-style: chr19-48917663-A-G.
Other names: short protein forms K412E.
Identifiers: ClinVar variation 3632276 (VCV003632276.2).